The following is an entry in ClinVar:

NM_024334.3(TMEM43):c.110T>C (p.Phe37Ser)

Gene: TMEM43 (transmembrane protein 43; plus strand). Cytogenetic location: 3p25.1.
Variant type: single nucleotide variant.
Coding change: c.110T>C on transcript NM_024334.3 (MANE Select); coding-DNA position 110, T replaced by C.
Protein change: p.Phe37Ser; replaces phenylalanine 37 with serine.
Molecular consequence: missense variant. On other transcripts: intron variant (1).
Genome position (GRCh38, 1-based): chr3:14,129,509, T>C. VCF-style: chr3-14129509-T-C. GRCh37 (hg19) VCF-style: chr3-14171009-T-C.
Other names: c.110T>C, p.Phe37Ser (NM_001407274.1, NM_001407275.1, NM_001407276.1 and 3 more transcripts); c.13-1313T>C (NM_001407280.1); short protein forms F37S.
Identifiers: ClinVar variation 3386078 (VCV003386078.1).
Genomic context (GRCh38, chr3:14,129,509, plus strand): 5'-TTAAAACCAGCTCCCAGCCAGGCTTCCTGGAACGGCTGAGCGAGACCTCGGGTGGGATGT[T>C]TGTGGGGCTCATGGCCTTCCTGCTCTCCTTCTACCTAATTTTCACCAATGAGGTAAAATG-3'
Protein context (NP_077310.1, residues 27-47): ERLSETSGGM[Phe37Ser]VGLMAFLLSF

ClinVar aggregate classification (germline): Uncertain significance (1 of 4 stars; one submission).

Conditions:
Arrhythmogenic right ventricular dysplasia 5. Also called: Arrhythmogenic Right Ventricular Dysplasia/Cardiomyopathy 5; ARRHYTHMOGENIC RIGHT VENTRICULAR DYSPLASIA, FAMILIAL, 5. Identifiers: MedGen C1858379, MONDO:0011459, OMIM 604400.

Submission:

All of Us Research Program, National Institutes of Health
Classification: Uncertain significance for Arrhythmogenic right ventricular dysplasia 5. Last evaluated: 2024-03-24. Review status: criteria provided, single submitter. Criteria: ACMG Guidelines, 2015. Collection method: clinical testing. Allele origin: germline. Inheritance: Autosomal dominant inheritance. Observed: 1 variant allele, 1 heterozygote.
Comment: This missense variant replaces phenylalanine with serine at codon 37 of the TMEM43 protein. Computational prediction suggests that this variant may not impact protein structure and function (internally defined REVEL score threshold <= 0.5, PMID: 27666373). To our knowledge, functional studies have not been reported for this variant. This variant has not been reported in individuals affected with TMEM43-related disorders in the literature. This variant has not been identified in the general population by the Genome Aggregation Database (gnomAD). The available evidence is insufficient to determine the role of this variant in disease conclusively. Therefore, this variant is classified as a Variant of Uncertain Significance.

This study involves interpretation of variants in research participants for the purpose of population health screening. Participant phenotype was not available at the time of variant classification. Additional details can be found in publication PMID: 35346344, PMCID: PMC8962531